The following is an entry in ClinVar:

NM_032193.4(RNASEH2C):c.440C>T (p.Ala147Val)

Gene: RNASEH2C (ribonuclease H2 subunit C; minus strand). Cytogenetic location: 11q13.1.
Variant type: single nucleotide variant.
Coding change: c.440C>T on transcript NM_032193.4 (MANE Select); coding-DNA position 440, C replaced by T.
Protein change: p.Ala147Val; replaces alanine 147 with valine.
Molecular consequence: missense variant.
Genome position (GRCh38, 1-based): chr11:65,720,073, G>A on the plus strand (C>T on the coding strand, the complement: RNASEH2C is on the minus strand). VCF-style: chr11-65720073-G-A. GRCh37 (hg19) VCF-style: chr11-65487544-G-A.
Other names: short protein forms A147V.
Identifiers: ClinVar variation 1392250 (VCV001392250.8), dbSNP rs2135652251, ClinGen allele CA381297442.

ClinVar aggregate classification (germline): Uncertain significance (1 of 4 stars; one submission).

Conditions:
Aicardi-Goutieres syndrome 3. Identifiers: Orphanet 51, MedGen C1835916, MONDO:0012471, OMIM 610329.

Submission:

Labcorp Genetics (formerly Invitae), Labcorp
Classification: Uncertain significance for Aicardi-Goutieres syndrome 3. Last evaluated: 2022-01-13. Review status: criteria provided, single submitter. Criteria: Invitae Variant Classification Sherloc (09022015). Collection method: clinical testing. Allele origin: germline.
Comment: In summary, the available evidence is currently insufficient to determine the role of this variant in disease. Therefore, it has been classified as a Variant of Uncertain Significance. Algorithms developed to predict the effect of missense changes on protein structure and function are either unavailable or do not agree on the potential impact of this missense change (SIFT: "Deleterious"; PolyPhen-2: "Probably Damaging"; Align-GVGD: "Class C0"). This variant has not been reported in the literature in individuals affected with RNASEH2C-related conditions. This sequence change replaces alanine, which is neutral and non-polar, with valine, which is neutral and non-polar, at codon 147 of the RNASEH2C protein (p.Ala147Val). This variant is not present in population databases (gnomAD no frequency).